The following is an entry in ClinVar:

ClinVar aggregate classification (germline): Benign. Review status: criteria provided, multiple submitters, no conflicts (2 of 4 stars). 2 submissions from 2 submitters: Benign (2). Last evaluated 2016-03-29.

Allele frequency attached by ClinVar (database versions not stated): ExAC 0.36249; gnomAD exomes 0.43065.

Submissions (2):

Laboratory for Molecular Medicine, Mass General Brigham Personalized Medicine
Classification: Benign. Last evaluated: 2016-03-29. Review status: criteria provided, single submitter. Criteria: LMM Criteria. Collection method: clinical testing. Allele origin: germline.
Comment: Variant identified in a genome or exome case(s) and assessed due to predicted null impact of the variant or pathogenic assertions in the literature or databases. Disclaimer: This variant has not undergone full assessment. The following are preliminary notes: Frequency

Breakthrough Genomics
Classification: Benign. Review status: criteria provided, single submitter. Criteria: ACMG Guidelines, 2015. Collection method: not provided. Allele origin: germline. Inheritance: Unknown mechanism. Affected: yes.

NM_015956.3(MRPL4):c.740-13A>C

Gene: MRPL4 (mitochondrial ribosomal protein L4; plus strand). Cytogenetic location: 19p13.2.
Variant type: single nucleotide variant.
Coding change: c.740-13A>C on transcript NM_015956.3 (MANE Select); 13 bases into the intron before coding-DNA position 740, A replaced by C.
Molecular consequence: intron variant. On other transcripts: 3 prime UTR variant (1).
Genome position (GRCh38, 1-based): chr19:10,259,604, A>C. VCF-style: chr19-10259604-A-C. GRCh37 (hg19) VCF-style: chr19-10370280-A-C.
Other names: c.*866A>C (NM_146388.2); c.740-13A>C (NM_146387.2).
Identifiers: ClinVar variation 403106 (VCV000403106.5), dbSNP rs765019295, ClinGen allele CA9189579.